The following is an entry in ClinVar:

ClinVar aggregate classification (germline): Uncertain significance (1 of 4 stars; one submission).

Conditions:
Hereditary cancer-predisposing syndrome. Also called: Neoplastic Syndromes, Hereditary; Tumor predisposition; Hereditary Cancer Syndrome; Hereditary neoplastic syndrome. Identifiers: Orphanet 140162, MedGen C0027672, MeSH D009386, MONDO:0015356.
Cardiovascular phenotype. Identifiers: MedGen CN230736.

Submission:

Ambry Genetics
Classification: Uncertain significance for Cardiovascular phenotype; Hereditary cancer-predisposing syndrome. Last evaluated: 2025-05-21. Review status: criteria provided, single submitter. Criteria: Ambry Variant Classification Scheme 2023. Collection method: clinical testing. Allele origin: germline.
Comment: The c.7712_7717delATTTAC variant (also known as p.H2571_L2572del) is located in coding exon 52 of the NF1 gene. This variant results from an in-frame ATTTAC deletion at nucleotide positions 7712 to 7717. This results in the in-frame deletion of the histidine and leucine residues at codons 2571 and 2572. These amino acid positions are highly conserved in available vertebrate species. In addition, the in silico prediction for this variant is inconclusive (Choi Y et al. PLoS ONE. 2012; 7(10):e46688). Since supporting evidence is limited at this time, the clinical significance of this alteration remains unclear.

NM_001042492.3(NF1):c.7775_7780del (p.His2592_Leu2593del)

Gene: NF1 (neurofibromin 1; plus strand). Cytogenetic location: 17q11.2.
Variant type: Deletion.
Coding change: c.7775_7780del on transcript NM_001042492.3 (MANE Select); coding-DNA positions 7775 to 7780, 6 bases deleted (ATTTAC; older notation c.7775_7780delATTTAC).
Protein change: p.His2592_Leu2593del.
Molecular consequence: inframe deletion. On other transcripts: inframe indel (1).
Genome position (GRCh38, 1-based): chr17:31,356,996-31,357,001, ATTTAC deleted; deleting any 6 consecutive bases within chr17:31,356,994-31,357,001 gives the same sequence; the c. name uses the placement nearest the transcript's 3' end. VCF-style (leftmost placement, unchanged base first): chr17-31356993-CACATTT-C. GRCh37 (hg19) VCF-style: chr17-29684011-CACATTT-C.
Other names: c.7712_7717delATTTAC (NM_000267.3); c.7712_7717delATTTAC, p.His2571_Leu2572del (NM_000267.4).
Identifiers: ClinVar variation 1760272 (VCV001760272.3), dbSNP rs2508827306, ClinGen allele CA499239422.
Genomic context (GRCh38, chr17:31,356,993, plus strand): 5'-TCACGTTAATTCCCTATCTTGCTGCAGAAACTCAGAGGATTTCCTCATCACAACAGCACC[CACATTT>C]ACGTAAAGTTTCAGTGTCTGAATCAAATGTTCTCTTGGATGAAGAAGTACTTACTGATCC-3'